The following is an entry in ClinVar:

ClinVar aggregate classification (germline): Uncertain significance. Review status: criteria provided, multiple submitters, no conflicts (2 of 4 stars). 2 submissions from 2 submitters: Uncertain significance (2). Last evaluated 2025-08-20.

Conditions:
Cardiovascular phenotype. Identifiers: MedGen CN230736.
Atrioventricular septal defect 4 (AVSD4). Identifiers: MedGen C3280781, MONDO:0013747, OMIM 614430.

gnomAD v4.1: 1 of 1,482,536 alleles (0.000067%); highest among the groups gnomAD compares: East Asian, 0.0028%; no homozygotes.

Submissions (2):

Ambry Genetics
Classification: Uncertain significance for Cardiovascular phenotype. Last evaluated: 2025-08-20. Review status: criteria provided, single submitter. Criteria: Ambry Variant Classification Scheme 2023. Collection method: clinical testing. Allele origin: germline.
Comment: The p.A62P variant (also known as c.184G>C), located in coding exon 1 of the GATA4 gene, results from a G to C substitution at nucleotide position 184. The alanine at codon 62 is replaced by proline, an amino acid with highly similar properties. This amino acid position is conserved. In addition, the in silico prediction for this alteration is inconclusive. Based on the available evidence, the clinical significance of this variant remains unclear.

Labcorp Genetics (formerly Invitae), Labcorp
Classification: Uncertain significance for Atrioventricular septal defect 4. Last evaluated: 2024-11-16. Review status: criteria provided, single submitter. Criteria: Invitae Variant Classification Sherloc (09022015). Collection method: clinical testing. Allele origin: germline.
Comment: This sequence change replaces alanine, which is neutral and non-polar, with proline, which is neutral and non-polar, at codon 62 of the GATA4 protein (p.Ala62Pro). This variant is present in population databases (no rsID available, gnomAD 0.1%). This variant has not been reported in the literature in individuals affected with GATA4-related conditions. Invitae Evidence Modeling of protein sequence and biophysical properties (such as structural, functional, and spatial information, amino acid conservation, physicochemical variation, residue mobility, and thermodynamic stability) indicates that this missense variant is not expected to disrupt GATA4 protein function with a negative predictive value of 95%. In summary, the available evidence is currently insufficient to determine the role of this variant in disease. Therefore, it has been classified as a Variant of Uncertain Significance.

NM_001308093.3(GATA4):c.184G>C (p.Ala62Pro)

Gene: GATA4 (GATA binding protein 4). Cytogenetic location: 8p23.1.
Variant type: single nucleotide variant.
Coding change: c.184G>C on transcript NM_001308093.3 (MANE Select); coding-DNA position 184, G replaced by C.
Protein change: p.Ala62Pro; replaces alanine 62 with proline.
Molecular consequence: missense variant. On other transcripts: intron variant (3).
Genome position (GRCh38, 1-based): chr8:11,708,496, G>C. VCF-style: chr8-11708496-G-C. GRCh37 (hg19) VCF-style: chr8-11566005-G-C.
Other names: c.184G>C, p.Ala62Pro (NM_002052.5); c.-6+7718G>C (NM_001308094.2); c.-3+482G>C (NM_001374274.1); c.-3+4192G>C (NM_001374273.1); c.184G>C (NM_002052.3); short protein forms A62P.
Identifiers: ClinVar variation 3610153 (VCV003610153.4).